The following is an entry in ClinVar:

NM_001126121.2(SLC25A19):c.460-14G>A

Gene: SLC25A19 (solute carrier family 25 member 19; minus strand). Cytogenetic location: 17q25.1.
Variant type: single nucleotide variant.
Coding change: c.460-14G>A on transcript NM_001126121.2 (MANE Select); 14 bases into the intron before coding-DNA position 460, G replaced by A.
Molecular consequence: intron variant.
Genome position (GRCh38, 1-based): chr17:75,278,349, C>T on the plus strand (G>A on the coding strand, the complement: SLC25A19 is on the minus strand). VCF-style: chr17-75278349-C-T. GRCh37 (hg19) VCF-style: chr17-73274430-C-T.
Other names: c.460-14G>A (NM_001126122.2, NM_021734.5).
Identifiers: ClinVar variation 382233 (VCV000382233.5), dbSNP rs371339034, ClinGen allele CA8760988.

ClinVar aggregate classification (germline): Likely benign. Review status: criteria provided, multiple submitters, no conflicts (2 of 4 stars). 2 submissions from 2 submitters: Likely benign (2). Last evaluated 2025-06-23.

Allele frequency attached by ClinVar (database versions not stated): ExAC 0.00005; gnomAD exomes 0.00005; gnomAD 0.00016 and 0.00017; TOPMed 0.00020; ESP Exome Variant Server 0.00023.
gnomAD v4.1: 51 of 1,613,906 alleles (0.0032%); highest among the groups gnomAD compares: African/African-American, 0.04%; no homozygotes.

Submissions (2):

Labcorp Genetics (formerly Invitae), Labcorp
Classification: Likely benign. Last evaluated: 2025-06-23. Review status: criteria provided, single submitter. Criteria: Invitae Variant Classification Sherloc (09022015). Collection method: clinical testing. Allele origin: germline.

GeneDx
Classification: Likely benign. Last evaluated: 2016-01-04. Review status: criteria provided, single submitter. Criteria: GeneDx Variant Classification (06012015). Collection method: clinical testing. Allele origin: germline. Affected: yes.
Comment: This variant is considered likely benign or benign based on one or more of the following criteria: it is a conservative change, it occurs at a poorly conserved position in the protein, it is predicted to be benign by multiple in silico algorithms, and/or has population frequency not consistent with disease.